The following is an entry in ClinVar:

NM_016219.5(MAN1B1):c.1024G>A (p.Ala342Thr)

Gene: MAN1B1 (mannosidase alpha class 1B member 1; plus strand). Cytogenetic location: 9q34.3.
Variant type: single nucleotide variant.
Coding change: c.1024G>A on transcript NM_016219.5 (MANE Select); coding-DNA position 1024, G replaced by A.
Protein change: p.Ala342Thr; replaces alanine 342 with threonine.
Molecular consequence: missense variant. On other transcripts: non-coding transcript variant (2).
Genome position (GRCh38, 1-based): chr9:137,101,112, G>A. VCF-style: chr9-137101112-G-A. GRCh37 (hg19) VCF-style: chr9-139995564-G-A.
Other names: short protein forms A342T.
Identifiers: ClinVar variation 3669396 (VCV003669396.2).
Genomic context (GRCh38, chr9:137,101,112, plus strand): 5'-AAGGACGTGGACGTCAACCTGTTTGAGAGCACGATCCGCATCCTGGGGGGGCTCCTGAGT[G>A]CCTACCACCTGTCTGGGGACAGCCTCTTCCTGAGGAAAGCTGTAAGTGTCTTGGGGTGTC-3'
Protein context (NP_057303.2, residues 332-352): TIRILGGLLS[Ala342Thr]YHLSGDSLFL

ClinVar aggregate classification (germline): Uncertain significance (1 of 4 stars; one submission).

Conditions:
Rafiq syndrome (RAFQS). Identifiers: Orphanet 88616, MedGen C3280127, MONDO:0013624, OMIM 614202.

gnomAD v4.1: 2 of 1,614,144 alleles (0.00012%); highest among the groups gnomAD compares: Admixed American, 0.0017%; no homozygotes.

Submission:

Labcorp Genetics (formerly Invitae), Labcorp
Classification: Uncertain significance for Rafiq syndrome. Last evaluated: 2024-08-23. Review status: criteria provided, single submitter. Criteria: Invitae Variant Classification Sherloc (09022015). Collection method: clinical testing. Allele origin: germline.
Comment: This sequence change replaces alanine, which is neutral and non-polar, with threonine, which is neutral and polar, at codon 342 of the MAN1B1 protein (p.Ala342Thr). This variant is not present in population databases (gnomAD no frequency). This variant has not been reported in the literature in individuals affected with MAN1B1-related conditions. An algorithm developed to predict the effect of missense changes on protein structure and function outputs the following: PolyPhen-2: "Benign". The threonine amino acid residue is found in multiple mammalian species, which suggests that this missense change does not adversely affect protein function. In summary, the available evidence is currently insufficient to determine the role of this variant in disease. Therefore, it has been classified as a Variant of Uncertain Significance.